The following is an entry in ClinVar:

NM_000540.3(RYR1):c.199G>T (p.Val67Phe)

Gene: RYR1 (ryanodine receptor 1; plus strand). Cytogenetic location: 19q13.2.
Variant type: single nucleotide variant.
Coding change: c.199G>T on transcript NM_000540.3 (MANE Select); coding-DNA position 199, G replaced by T.
Protein change: p.Val67Phe; replaces valine 67 with phenylalanine.
Molecular consequence: missense variant.
Genome position (GRCh38, 1-based): chr19:38,442,382, G>T. VCF-style: chr19-38442382-G-T. GRCh37 (hg19) VCF-style: chr19-38933022-G-T.
Other names: c.199G>T, p.Val67Phe (NM_001042723.2); short protein forms V67F.
Identifiers: ClinVar variation 2498775 (VCV002498775.28), dbSNP rs761182247, ClinGen allele CA405673910.

ClinVar aggregate classification (germline): Uncertain significance (1 of 4 stars; one submission).

Submission:

CeGaT Center for Human Genetics Tuebingen
Classification: Uncertain significance. Last evaluated: 2024-10-01. Review status: criteria provided, single submitter. Criteria: CeGaT Center For Human Genetics Tuebingen Variant Classification Criteria Version 2. Collection method: clinical testing. Allele origin: germline. Affected: yes. Observed: 2 variant alleles.
Comment: RYR1: PM2